The following is an entry in ClinVar:

NM_000059.4(BRCA2):c.2896dup (p.Thr966fs)

Gene: BRCA2 (BRCA2 DNA repair associated; plus strand). Cytogenetic location: 13q13.1.
Variant type: Duplication.
Coding change: c.2896dup on transcript NM_000059.4 (MANE Select); coding-DNA position 2896, one base duplicated (A; older notation c.2896dupA).
Protein change: p.Thr966fs; shifts the reading frame from threonine 966.
Molecular consequence: frameshift variant.
Genome position (GRCh38, 1-based): chr13:32,337,251, A duplicated. VCF-style (leftmost placement, unchanged base first): chr13-32337250-G-GA. GRCh37 (hg19) VCF-style: chr13-32911387-G-GA.
Other names: 3015dupA; short protein forms T966fs.
Identifiers: ClinVar variation 266726 (VCV000266726.5), dbSNP rs886040452, ClinGen allele CA10589178.
Genomic context (GRCh38, chr13:32,337,250, plus strand): 5'-AGATTTGGTTTATGTTCTTGCAGAGGAGAACAAAAATAGTGTAAAGCAGCATATAAAAAT[G>GA]ACTCTAGGTCAAGATTTAAAATCGGACATCTCCTTGAATATAGATAAAATACCAGAAAAA-3'

ClinVar aggregate classification (germline): Pathogenic. Review status: reviewed by expert panel (3 of 4 stars). 2 submissions from 2 submitters: Pathogenic (1). 1 of the submissions does not count toward it. Last evaluated 2016-10-18.

Conditions:
Breast-ovarian cancer, familial, susceptibility to, 2 (BROVCA2). Also called: BRCA2 Hereditary Breast and Ovarian Cancer. Identifiers: Orphanet 145, MedGen C2675520, MONDO:0012933, OMIM 612555. Disease mechanism: loss of function.

Submissions (2):

Evidence-based Network for the Interpretation of Germline Mutant Alleles (ENIGMA)
Classification: Pathogenic for Breast-ovarian cancer, familial, susceptibility to, 2. Last evaluated: 2016-10-18. Review status: reviewed by expert panel. Criteria: ENIGMA BRCA1/2 Classification Criteria (2015). Collection method: curation. Allele origin: germline.
Comment: Variant allele predicted to encode a truncated non-functional protein.

Consortium of Investigators of Modifiers of BRCA1/2 (CIMBA), c/o University of Cambridge
Classification: Pathogenic for Breast-ovarian cancer, familial, susceptibility to, 2. Last evaluated: 2015-10-02. Review status: criteria provided, single submitter. Criteria: CIMBA Mutation Classification guidelines May 2016. Collection method: clinical testing. Allele origin: germline. Not counted in ClinVar's aggregate classification.